The following is an entry in ClinVar:

ClinVar aggregate classification (germline): Pathogenic/Likely pathogenic. Review status: criteria provided, multiple submitters, no conflicts (2 of 4 stars). 4 submissions from 3 submitters: Pathogenic (2); Likely pathogenic (2). Last evaluated 2026-07-01.

Conditions:
ARID2-related BAFopathy.
Coffin-Siris syndrome 6. Identifiers: MedGen C4540499, MONDO:0033492, OMIM 617808.

Submissions (4):

CeGaT Center for Human Genetics Tuebingen
Classification: Pathogenic. Last evaluated: 2026-07-01. Review status: criteria provided, single submitter. Criteria: CeGaT Center For Human Genetics Tuebingen Variant Classification Criteria Version 2. Collection method: clinical testing. Allele origin: germline. Affected: yes. Observed: 1 variant allele.
Comment: ARID2: PVS1, PM2

GeneDx
Classification: Pathogenic. Last evaluated: 2024-05-10. Review status: criteria provided, single submitter. Criteria: GeneDx Variant Classification Process June 2021. Collection method: clinical testing. Allele origin: germline. Affected: yes.
Comment: De novo variant with confirmed parentage or mosaic in unrelated patients with developmental disorders in published literature; however, detailed clinical information was not provided (PMID: 33057194, 33057194); Not observed at significant frequency in large population cohorts (gnomAD); Nonsense variant predicted to result in protein truncation or nonsense mediated decay in a gene for which loss of function is a known mechanism of disease; This variant is associated with the following publications: (PMID: 34906496, 35982159, 33057194)

Baylor Genetics
Classification: Likely pathogenic for ARID2-related BAFopathy. Last evaluated: 2021-06-10. Review status: criteria provided, single submitter. Criteria: ACMG Guidelines, 2015. Collection method: clinical testing. Allele origin: unknown. Affected: yes.

Baylor Genetics
Classification: Likely pathogenic for Coffin-Siris syndrome 6. Last evaluated: 2019-12-02. Review status: criteria provided, single submitter. Criteria: ACMG Guidelines, 2015. Collection method: clinical testing. Allele origin: unknown. Affected: yes.
Comment: This variant was determined to be likely pathogenic according to ACMG Guidelines, 2015 [PMID:25741868].

NM_152641.4(ARID2):c.820C>T (p.Arg274Ter)

Gene: ARID2 (AT-rich interaction domain 2; plus strand). Cytogenetic location: 12q12.
Variant type: single nucleotide variant.
Coding change: c.820C>T on transcript NM_152641.4 (MANE Select); coding-DNA position 820, C replaced by T.
Protein change: p.Arg274Ter; replaces arginine 274 with a stop codon.
Molecular consequence: nonsense.
Genome position (GRCh38, 1-based): chr12:45,836,788, C>T. VCF-style: chr12-45836788-C-T. GRCh37 (hg19) VCF-style: chr12-46230571-C-T.
Other names: c.820C>T, p.Arg274Ter (NM_001347839.2); short protein forms R274*.
Identifiers: ClinVar variation 1031208 (VCV001031208.4), dbSNP rs1943228378, ClinGen allele CA384452282.